The following is an entry in ClinVar:

ClinVar aggregate classification (germline): Benign/Likely benign. Review status: criteria provided, multiple submitters, no conflicts (2 of 4 stars). 3 submissions from 3 submitters: Benign (1); Likely benign (2). Last evaluated 2024-09-10.

Conditions:
Familial cancer of breast. Also called: BREAST CANCER, FAMILIAL; hereditary breast carcinoma; Hereditary breast cancer. Identifiers: Orphanet 227535, MedGen C0346153, MONDO:0016419, OMIM 114480. Disease mechanism: loss of function.
Fanconi anemia complementation group J. Also called: BRIP1-Related Fanconi Anemia. Identifiers: Orphanet 84, MedGen C1836860, MONDO:0012187, OMIM 609054.
Hereditary cancer-predisposing syndrome. Also called: Hereditary Cancer Syndrome; Neoplastic Syndromes, Hereditary; Tumor predisposition; Hereditary neoplastic syndrome. Identifiers: Orphanet 140162, MedGen C0027672, MeSH D009386, MONDO:0015356.

Submissions (3):

Myriad Genetics, Inc.
Classification: Benign for Familial cancer of breast. Last evaluated: 2024-09-10. Review status: criteria provided, single submitter. Criteria: Myriad Autosomal Dominant, Autosomal Recessive and X-Linked Classification Criteria (2023). Collection method: clinical testing. Allele origin: unknown.
Comment: This variant is considered benign. This variant is a silent/synonymous amino acid change and it is not expected to impact splicing.

Labcorp Genetics (formerly Invitae), Labcorp
Classification: Likely benign for Familial cancer of breast; Fanconi anemia complementation group J. Last evaluated: 2023-10-04. Review status: criteria provided, single submitter. Criteria: Invitae Variant Classification Sherloc (09022015). Collection method: clinical testing. Allele origin: germline.

Color Diagnostics, LLC DBA Color Health
Classification: Likely benign for Hereditary cancer-predisposing syndrome. Last evaluated: 2017-12-05. Review status: criteria provided, single submitter. Criteria: ACMG Guidelines, 2015. Collection method: clinical testing. Allele origin: germline.

NM_032043.3(BRIP1):c.3669G>A (p.Leu1223=)

Gene: BRIP1 (BRCA1 interacting DNA helicase 1; minus strand). Cytogenetic location: 17q23.2.
Variant type: single nucleotide variant.
Coding change: c.3669G>A on transcript NM_032043.3 (MANE Select); coding-DNA position 3669, G replaced by A.
Protein change: p.Leu1223=; no amino-acid change (leucine 1223 retained).
Molecular consequence: synonymous variant.
Genome position (GRCh38, 1-based): chr17:61,683,377, C>T on the plus strand (G>A on the coding strand, the complement: BRIP1 is on the minus strand). VCF-style: chr17-61683377-C-T. GRCh37 (hg19) VCF-style: chr17-59760738-C-T.
Identifiers: ClinVar variation 630971 (VCV000630971.6), dbSNP rs1567727357, ClinGen allele CA501335109.